The following is an entry in ClinVar:

ClinVar aggregate classification (germline): Uncertain significance (1 of 4 stars; one submission).

Conditions:
Inborn genetic diseases. Identifiers: MedGen C0950123, MeSH D030342.

gnomAD v4.1: 2 of 1,614,010 alleles (0.00012%); highest among the groups gnomAD compares: Non-Finnish European, 0.00017%; no homozygotes.

Submission:

Ambry Genetics
Classification: Uncertain significance for Inborn genetic diseases. Last evaluated: 2025-07-22. Review status: criteria provided, single submitter. Criteria: Ambry Variant Classification Scheme 2023. Collection method: clinical testing. Allele origin: germline.
Comment: The p.I1897T variant (also known as c.5690T>C), located in coding exon 21 of the FANCM gene, results from a T to C substitution at nucleotide position 5690. The isoleucine at codon 1897 is replaced by threonine, an amino acid with similar properties. This amino acid position is conserved. In addition, the in silico prediction for this alteration is inconclusive. Based on the available evidence, the clinical significance of this variant remains unclear.

NM_020937.4(FANCM):c.5690T>C (p.Ile1897Thr)

Gene: FANCM (FA complementation group M; plus strand). Cytogenetic location: 14q21.2.
Variant type: single nucleotide variant.
Coding change: c.5690T>C on transcript NM_020937.4 (MANE Select); coding-DNA position 5690, T replaced by C.
Protein change: p.Ile1897Thr; replaces isoleucine 1897 with threonine.
Molecular consequence: missense variant.
Genome position (GRCh38, 1-based): chr14:45,196,521, T>C. VCF-style: chr14-45196521-T-C. GRCh37 (hg19) VCF-style: chr14-45665724-T-C.
Other names: c.5612T>C, p.Ile1871Thr (NM_001308133.2); short protein forms I1871T, I1897T.
Identifiers: ClinVar variation 4254606 (VCV004254606.1).